The following is an entry in ClinVar:

ClinVar aggregate classification (germline): Uncertain significance (1 of 4 stars; one submission).

Submission:

Women's Health and Genetics/Laboratory Corporation of America, LabCorp
Classification: Uncertain significance. Last evaluated: 2024-10-09. Review status: criteria provided, single submitter. Criteria: LabCorp Variant Classification Summary - May 2015. Collection method: clinical testing. Allele origin: germline.
Comment: Variant summary: DHX16 c.1110_1111delinsAT (p.Leu371Phe) results in a non-conservative amino acid change in the encoded protein sequence. Three of five in-silico tools predict a benign effect of the variant on protein function. The variant allele was found at a frequency of 2.8e-05 in 251240 control chromosomes. The available data on variant occurrences in the general population are insufficient to allow any conclusion about variant significance. To our knowledge, no occurrence of c.1110_1111delinsAT in individuals affected with Neuromuscular Disease And Ocular Or Auditory Anomalies With Or Without Seizures and no experimental evidence demonstrating its impact on protein function have been reported. No submitters have cited clinical-significance assessments for this variant to ClinVar. Based on the evidence outlined above, the variant was classified as uncertain significance.

NM_003587.5(DHX16):c.1110_1111delinsAT (p.Leu371Phe)

Gene: DHX16 (DEAH-box helicase 16; minus strand). Cytogenetic location: 6p21.33.
Variant type: Indel.
Coding change: c.1110_1111delinsAT on transcript NM_003587.5 (MANE Select); coding-DNA positions 1110 to 1111, GC replaced by AT.
Protein change: p.Leu371Phe; replaces leucine 371 with phenylalanine.
Molecular consequence: missense variant. On other transcripts: 5 prime UTR variant (1).
Genome position (GRCh38, 1-based): chr6:30,665,085-30,665,086, GC replaced by AT on the plus strand (GC replaced by AT on the coding strand, the reverse complement: DHX16 is on the minus strand). VCF-style: chr6-30665085-GC-AT. GRCh37 (hg19) VCF-style: chr6-30632862-GC-AT.
Other names: c.930_931delinsAT, p.Leu311Phe (NM_001164239.2); c.-1010_-1009delinsAT (NM_001363515.2); short protein forms L311F, L371F.
Identifiers: ClinVar variation 3384799 (VCV003384799.1).
Genomic context (GRCh38, chr6:30,665,085, plus strand): 5'-GCTCGCTACGGGTCTTCCTCAGAAAGTCTCCCAGCTCCCCTCTTACCTCATCACCCTGGA[GC>AT]TGAGTGGCCCGGACAAACTCAATGGTCTCCTCCTCCTCCAGCACCAGTTGATACTTGGGC-3'
Protein context (NP_003578.2, residues 361-381): ETIEFVRATQ[Leu371Phe]QGDEEPSAPP